The following is an entry in ClinVar:

NM_012144.4(DNAI1):c.252C>G (p.Tyr84Ter)

Gene: DNAI1 (dynein axonemal intermediate chain 1; plus strand). Cytogenetic location: 9p13.3.
Variant type: single nucleotide variant.
Coding change: c.252C>G on transcript NM_012144.4 (MANE Select); coding-DNA position 252, C replaced by G.
Protein change: p.Tyr84Ter; replaces tyrosine 84 with a stop codon.
Molecular consequence: nonsense.
Genome position (GRCh38, 1-based): chr9:34,485,508, C>G. VCF-style: chr9-34485508-C-G. GRCh37 (hg19) VCF-style: chr9-34485506-C-G.
Other names: c.252C>G, p.Tyr84Ter (NM_001281428.2); short protein forms Y84*.
Identifiers: ClinVar variation 3382515 (VCV003382515.2).
Genomic context (GRCh38, chr9:34,485,508, plus strand): 5'-GGAGTTCACTCGGATTTTGACAGCCAACAACCCACACGCACCCCAGAACATTGTCAGGTA[C>G]AGCTTCAAAGTAAGTCATCCCCTCCTGGGCAGGGGCATCTATACCCATCTCCTTGGAGTG-3'

ClinVar aggregate classification (germline): Likely pathogenic (1 of 4 stars; one submission).

Conditions:
Kartagener syndrome (CILD1). Also called: POLYNESIAN BRONCHIECTASIS; SIEWERT SYNDROME; CILIARY DYSKINESIA, PRIMARY, 1, WITH OR WITHOUT SITUS INVERSUS; CILIARY DYSKINESIA, PRIMARY, 1; IMMOTILE CILIA SYNDROME; Dextrocardia bronchiectasis and sinusitis. Identifiers: Orphanet 244, MedGen C4551906, MONDO:0009484, OMIM 244400.

Submission:

Juno Genomics, Hangzhou Juno Genomics, Inc
Classification: Likely pathogenic for Kartagener syndrome. Review status: criteria provided, single submitter. Criteria: ACMG Guidelines, 2015. Collection method: clinical testing. Allele origin: germline. Affected: yes.
Comment: Absent from controls (or at extremely low frequency if recessive) in Genome Aggregation Database, Exome Sequencing Project, 1000 Genomes Project, or Exome Aggregation Consortium.;Null variant in a gene where loss of function (LOF) is a known mechanism of disease.